The following is an entry in ClinVar:

NM_000733.4(CD3E):c.490C>T (p.Arg164Ter)

Gene: CD3E (CD3 epsilon subunit of T-cell receptor complex; plus strand). Cytogenetic location: 11q23.3.
Variant type: single nucleotide variant.
Coding change: c.490C>T on transcript NM_000733.4 (MANE Select); coding-DNA position 490, C replaced by T.
Protein change: p.Arg164Ter; replaces arginine 164 with a stop codon.
Molecular consequence: nonsense.
Genome position (GRCh38, 1-based): chr11:118,313,844, C>T. VCF-style: chr11-118313844-C-T. GRCh37 (hg19) VCF-style: chr11-118184559-C-T.
Other names: short protein forms R164*.
Identifiers: ClinVar variation 847888 (VCV000847888.7), dbSNP rs201840561, ClinGen allele CA6301728.

ClinVar aggregate classification (germline): Pathogenic (1 of 4 stars; one submission).

Conditions:
Immunodeficiency 18 (IMD18). Also called: CD3-EPSILON DEFICIENCY; CD3epsilon deficiency. Identifiers: MedGen C3810127, MONDO:0014278, OMIM 615615.

Allele frequency attached by ClinVar (database versions not stated): gnomAD exomes 0.00001; TOPMed 0.00001.
gnomAD v4.1: 19 of 1,613,780 alleles (0.0012%); highest among the groups gnomAD compares: Middle Eastern, 0.017%; no homozygotes.

Submission:

Labcorp Genetics (formerly Invitae), Labcorp
Classification: Pathogenic for Immunodeficiency 18. Last evaluated: 2024-01-04. Review status: criteria provided, single submitter. Criteria: Invitae Variant Classification Sherloc (09022015). Collection method: clinical testing. Allele origin: germline.
Comment: This sequence change creates a premature translational stop signal (p.Arg164*) in the CD3E gene. It is expected to result in an absent or disrupted protein product. Loss-of-function variants in CD3E are known to be pathogenic (PMID: 8490660, 15546002). This variant is present in population databases (rs201840561, gnomAD 0.002%). This variant has not been reported in the literature in individuals affected with CD3E-related conditions. ClinVar contains an entry for this variant (Variation ID: 847888). For these reasons, this variant has been classified as Pathogenic.

Literature cited by the submitters: PubMed 8490660; PubMed 15546002.